The following is an entry in ClinVar:

ClinVar aggregate classification (germline): Uncertain significance (1 of 4 stars; one submission).

Allele frequency attached by ClinVar (database versions not stated): gnomAD 0.00001; gnomAD exomes 0.00002; TOPMed 0.00002; ESP Exome Variant Server 0.00008.
gnomAD v4.1: 25 of 1,613,924 alleles (0.0015%); highest among the groups gnomAD compares: Non-Finnish European, 0.002%; no homozygotes.

Submission:

Labcorp Genetics (formerly Invitae), Labcorp
Classification: Uncertain significance. Last evaluated: 2024-01-18. Review status: criteria provided, single submitter. Criteria: Invitae Variant Classification Sherloc (09022015). Collection method: clinical testing. Allele origin: germline.
Comment: This sequence change replaces glutamine, which is neutral and polar, with lysine, which is basic and polar, at codon 830 of the MYO5B protein (p.Gln830Lys). This variant is present in population databases (rs373596171, gnomAD 0.004%). This variant has not been reported in the literature in individuals affected with MYO5B-related conditions. Advanced modeling of protein sequence and biophysical properties (such as structural, functional, and spatial information, amino acid conservation, physicochemical variation, residue mobility, and thermodynamic stability) performed at Invitae indicates that this missense variant is not expected to disrupt MYO5B protein function with a negative predictive value of 80%. In summary, the available evidence is currently insufficient to determine the role of this variant in disease. Therefore, it has been classified as a Variant of Uncertain Significance.

NM_001080467.3(MYO5B):c.2488C>A (p.Gln830Lys)

Gene: MYO5B (myosin VB; minus strand). Cytogenetic location: 18q21.1.
Variant type: single nucleotide variant.
Coding change: c.2488C>A on transcript NM_001080467.3 (MANE Select); coding-DNA position 2488, C replaced by A.
Protein change: p.Gln830Lys; replaces glutamine 830 with lysine.
Molecular consequence: missense variant.
Genome position (GRCh38, 1-based): chr18:49,904,755, G>T on the plus strand (C>A on the coding strand, the complement: MYO5B is on the minus strand). VCF-style: chr18-49904755-G-T. GRCh37 (hg19) VCF-style: chr18-47431125-G-T.
Other names: short protein forms Q830K.
Identifiers: ClinVar variation 2796328 (VCV002796328.3), dbSNP rs373596171, ClinGen allele CA299980951.